The following is an entry in ClinVar:

NM_002691.4(POLD1):c.1898C>T (p.Thr633Ile)

Gene: POLD1 (DNA polymerase delta 1, catalytic subunit; plus strand). Cytogenetic location: 19q13.33.
Variant type: single nucleotide variant.
Coding change: c.1898C>T on transcript NM_002691.4 (MANE Select); coding-DNA position 1898, C replaced by T.
Protein change: p.Thr633Ile; replaces threonine 633 with isoleucine.
Molecular consequence: missense variant. On other transcripts: non-coding transcript variant (1).
Genome position (GRCh38, 1-based): chr19:50,409,127, C>T. VCF-style: chr19-50409127-C-T. GRCh37 (hg19) VCF-style: chr19-50912384-C-T.
Other names: c.1898C>T, p.Thr633Ile (NM_001256849.1); c.1976C>T, p.Thr659Ile (NM_001308632.1); short protein forms T633I, T659I.
Identifiers: ClinVar variation 1463962 (VCV001463962.6), dbSNP rs2122375481, ClinGen allele CA406982195.
Genomic context (GRCh38, chr19:50,409,127, plus strand): 5'-AGGTGGGCTGGAGCAGGAGGGTGGCCGGCAGTCACCCCAACATCTTCCAACCCAGCCTGA[C>T]TGAGGATCAGTTCATCAGGACCCCCACCGGGGACGAGTTTGTGAAGACCTCAGTGCGGAA-3'
Protein context (NP_002682.2, residues 623-643): RPGTAQKLGL[Thr633Ile]EDQFIRTPTG

ClinVar aggregate classification (germline): Uncertain significance (1 of 4 stars; one submission).

Conditions:
POLD1-related polyposis and colorectal cancer syndrome (CRCS10). Also called: Colorectal cancer 10; COLORECTAL CANCER, SUSCEPTIBILITY TO, ON CHROMOSOME 19q; Colorectal cancer, susceptibility to, 10. Identifiers: Orphanet 220460, MedGen C2675481, MONDO:0012953, OMIM 612591.

Submission:

Labcorp Genetics (formerly Invitae), Labcorp
Classification: Uncertain significance for POLD1-related polyposis and colorectal cancer syndrome. Last evaluated: 2021-11-14. Review status: criteria provided, single submitter. Criteria: Invitae Variant Classification Sherloc (09022015). Collection method: clinical testing. Allele origin: germline.
Comment: This variant has not been reported in the literature in individuals affected with POLD1-related conditions. In summary, the available evidence is currently insufficient to determine the role of this variant in disease. Therefore, it has been classified as a Variant of Uncertain Significance. Algorithms developed to predict the effect of missense changes on protein structure and function (SIFT, PolyPhen-2, Align-GVGD) all suggest that this variant is likely to be tolerated. This variant is not present in population databases (gnomAD no frequency). This sequence change replaces threonine, which is neutral and polar, with isoleucine, which is neutral and non-polar, at codon 633 of the POLD1 protein (p.Thr633Ile).